The following is an entry in ClinVar:

NM_016107.5(ZFR):c.784+6A>G

Gene: ZFR (zinc finger RNA binding protein; minus strand). Cytogenetic location: 5p13.3.
Variant type: single nucleotide variant.
Coding change: c.784+6A>G on transcript NM_016107.5 (MANE Select); 6 bases into the intron after coding-DNA position 784, A replaced by G.
Molecular consequence: intron variant.
Genome position (GRCh38, 1-based): chr5:32,414,963, T>C on the plus strand (A>G on the coding strand, the complement: ZFR is on the minus strand). VCF-style: chr5-32414963-T-C. GRCh37 (hg19) VCF-style: chr5-32415068-T-C.
Identifiers: ClinVar variation 2200550 (VCV002200550.4), dbSNP rs771992218, ClinGen allele CA3221989.

ClinVar aggregate classification (germline): Uncertain significance (1 of 4 stars; one submission).

Conditions:
Pure or complex autosomal recessive spastic paraplegia. Identifiers: Orphanet 320346, MedGen C5679887, MONDO:0017915.

Allele frequency attached by ClinVar (database versions not stated): gnomAD exomes 0.00002; ExAC 0.00001; gnomAD 0.00002.
gnomAD v4.1: 29 of 1,610,858 alleles (0.0018%); highest among the groups gnomAD compares: Admixed American, 0.012%; no homozygotes.

Submission:

Labcorp Genetics (formerly Invitae), Labcorp
Classification: Uncertain significance for Pure or complex autosomal recessive spastic paraplegia. Last evaluated: 2023-07-17. Review status: criteria provided, single submitter. Criteria: Invitae Variant Classification Sherloc (09022015). Collection method: clinical testing. Allele origin: germline.
Comment: This variant is present in population databases (rs771992218, gnomAD 0.01%). This sequence change falls in intron 5 of the ZFR gene. It does not directly change the encoded amino acid sequence of the ZFR protein. It affects a nucleotide within the consensus splice site. This variant has not been reported in the literature in individuals affected with ZFR-related conditions. In summary, the available evidence is currently insufficient to determine the role of this variant in disease. Therefore, it has been classified as a Variant of Uncertain Significance. Variants that disrupt the consensus splice site are a relatively common cause of aberrant splicing (PMID: 17576681, 9536098). Algorithms developed to predict the effect of sequence changes on RNA splicing suggest that this variant is not likely to affect RNA splicing. ClinVar contains an entry for this variant (Variation ID: 2200550).

Literature cited by the submitters: PubMed 17576681; PubMed 9536098.